The following is an entry in ClinVar:

ClinVar aggregate classification (germline): Uncertain significance. Review status: criteria provided, multiple submitters, no conflicts (2 of 4 stars). 3 submissions from 3 submitters: Uncertain significance (3). Last evaluated 2023-04-11.

Conditions:
Inborn genetic diseases. Identifiers: MedGen C0950123, MeSH D030342.
Microcephaly 5, primary, autosomal recessive (MCPH5). Also called: ASPM Primary Microcephaly. Identifiers: Orphanet 2512, MedGen C1837501, MONDO:0012106, OMIM 608716.

Allele frequency attached by ClinVar (database versions not stated): TOPMed below 0.00001; gnomAD exomes 0.00001; ExAC 0.00002.
gnomAD v4.1: 3 of 1,612,784 alleles (0.00019%); highest among the groups gnomAD compares: Admixed American, 0.005%; no homozygotes.

Submissions (3):

Genome-Nilou Lab
Classification: Uncertain significance for Microcephaly 5, primary, autosomal recessive. Last evaluated: 2023-04-11. Review status: criteria provided, single submitter. Criteria: ACMG Guidelines, 2015. Collection method: clinical testing. Allele origin: germline. Affected: no.

Labcorp Genetics (formerly Invitae), Labcorp
Classification: Uncertain significance. Last evaluated: 2022-08-01. Review status: criteria provided, single submitter. Criteria: Invitae Variant Classification Sherloc (09022015). Collection method: clinical testing. Allele origin: germline.
Comment: This sequence change replaces lysine, which is basic and polar, with glutamic acid, which is acidic and polar, at codon 2058 of the ASPM protein (p.Lys2058Glu). This variant is present in population databases (rs774901339, gnomAD 0.003%). This variant has not been reported in the literature in individuals affected with ASPM-related conditions. ClinVar contains an entry for this variant (Variation ID: 985792). Algorithms developed to predict the effect of missense changes on protein structure and function (SIFT, PolyPhen-2, Align-GVGD) all suggest that this variant is likely to be tolerated. In summary, the available evidence is currently insufficient to determine the role of this variant in disease. Therefore, it has been classified as a Variant of Uncertain Significance.

Ambry Genetics
Classification: Uncertain significance for Inborn genetic diseases. Last evaluated: 2021-09-07. Review status: criteria provided, single submitter. Criteria: Ambry Variant Classification Scheme 2023. Collection method: clinical testing. Allele origin: germline.
Comment: The c.6172A>G (p.K2058E) alteration is located in exon 18 (coding exon 18) of the ASPM gene. This alteration results from an A to G substitution at nucleotide position 6172, causing the lysine (K) at amino acid position 2058 to be replaced by a glutamic acid (E). Based on data from gnomAD, the G allele has an overall frequency of <0.01% (3/250,228) total alleles studied. The highest observed frequency was 0.01% (3/34,488) of Latino alleles. This amino acid position is not well conserved in available vertebrate species. This alteration is predicted to be tolerated by in silico analysis. Based on insufficient or conflicting evidence, the clinical significance of this alteration remains unclear.

NM_018136.5(ASPM):c.6172A>G (p.Lys2058Glu)

Gene: ASPM (assembly factor for spindle microtubules; minus strand). Cytogenetic location: 1q31.3.
Variant type: single nucleotide variant.
Coding change: c.6172A>G on transcript NM_018136.5 (MANE Select); coding-DNA position 6172, A replaced by G.
Protein change: p.Lys2058Glu; replaces lysine 2058 with glutamic acid.
Molecular consequence: missense variant. On other transcripts: intron variant (1).
Genome position (GRCh38, 1-based): chr1:197,103,079, T>C on the plus strand (A>G on the coding strand, the complement: ASPM is on the minus strand). VCF-style: chr1-197103079-T-C. GRCh37 (hg19) VCF-style: chr1-197072209-T-C.
Other names: c.4066-6915A>G (NM_001206846.2); short protein forms K2058E.
Identifiers: ClinVar variation 985792 (VCV000985792.5), dbSNP rs774901339, ClinGen allele CA1309622.